The following is an entry in ClinVar:

NM_002397.5(MEF2C):c.1306C>T (p.Arg436Ter)

Genes: MEF2C (myocyte enhancer factor 2C; minus strand), MEF2C-AS2 (MEF2C antisense RNA 2; plus strand). Cytogenetic location: 5q14.3.
Variant type: single nucleotide variant.
Coding change: c.1306C>T on transcript NM_002397.5 (MANE Select); coding-DNA position 1306, C replaced by T.
Protein change: p.Arg436Ter; replaces arginine 436 with a stop codon.
Molecular consequence: nonsense. On other transcripts: non-coding transcript variant (1), 3 prime UTR variant (9).
Genome position (GRCh38, 1-based): chr5:88,722,720, G>A on the plus strand (C>T on the coding strand, the complement: MEF2C is on the minus strand). VCF-style: chr5-88722720-G-A. GRCh37 (hg19) VCF-style: chr5-88018537-G-A.
Other names: c.1276C>T, p.Arg426Ter (NM_001131005.2); c.1336C>T, p.Arg446Ter (NM_001193347.1); c.1138C>T, p.Arg380Ter (NM_001193348.1); c.1066C>T, p.Arg356Ter (NM_001193349.3, NM_001364332.2); c.1306C>T, p.Arg436Ter (NM_001193350.2, NM_001364329.2, NM_001364330.2 and 1 more transcripts); c.1282C>T, p.Arg428Ter (NM_001308002.3, NM_001364333.2); c.1210C>T, p.Arg404Ter (NM_001363581.2, NM_001364334.2, NM_001364335.2 and 2 more transcripts); c.1240C>T, p.Arg414Ter (NM_001364338.2); and 7 more; short protein forms R254*, R278*, R310*, R356*, R380*, R388*, R394*, R396*.
Identifiers: ClinVar variation 3343095 (VCV003343095.1).

ClinVar aggregate classification (germline): Uncertain significance (1 of 4 stars; one submission).

Submission:

GeneDx
Classification: Uncertain significance. Last evaluated: 2023-04-13. Review status: criteria provided, single submitter. Criteria: GeneDx Variant Classification Process June 2021. Collection method: clinical testing. Allele origin: germline. Affected: yes.
Comment: Nonsense variant predicted to result in protein truncation as the last 38 amino acids are lost, although loss-of-function variants have not been reported downstream of this position in the protein; Not observed at significant frequency in large population cohorts (gnomAD); Has not been previously published as pathogenic or benign to our knowledge